The following is an entry in ClinVar:

ClinVar aggregate classification (germline): Likely benign. Review status: criteria provided, multiple submitters, no conflicts (2 of 4 stars). 2 submissions from 2 submitters: Likely benign (2). Last evaluated 2018-06-19.

Allele frequency attached by ClinVar (database versions not stated): 1000 Genomes Project 0.00300; 1000 Genomes Project 30x 0.00312; TOPMed 0.00651; gnomAD 0.00667 and 0.00687.
gnomAD v4.1: 1,017 of 152,274 alleles (0.67%); highest among the groups gnomAD compares: Non-Finnish European, 1.1%; 6 homozygotes.

Submissions (2):

GeneDx
Classification: Likely benign. Last evaluated: 2018-06-19. Review status: criteria provided, single submitter. Criteria: GeneDx Variant Classification (06012015). Collection method: clinical testing. Allele origin: germline. Affected: yes.
Comment: This variant is considered likely benign or benign based on one or more of the following criteria: it is a conservative change, it occurs at a poorly conserved position in the protein, it is predicted to be benign by multiple in silico algorithms, and/or has population frequency not consistent with disease.

Breakthrough Genomics
Classification: Likely benign. Review status: criteria provided, single submitter. Criteria: ACMG Guidelines, 2015. Collection method: not provided. Allele origin: germline. Inheritance: Autosomal dominant inheritance. Affected: yes.

NM_000093.5(COL5A1):c.1881+173G>A

Gene: COL5A1 (collagen type V alpha 1 chain; plus strand). Cytogenetic location: 9q34.3.
Variant type: single nucleotide variant.
Coding change: c.1881+173G>A on transcript NM_000093.5 (MANE Select); 173 bases into the intron after coding-DNA position 1881, G replaced by A.
Molecular consequence: intron variant.
Genome position (GRCh38, 1-based): chr9:134,756,991, G>A. VCF-style: chr9-134756991-G-A. GRCh37 (hg19) VCF-style: chr9-137648837-G-A.
Other names: c.1881+173G>A (NM_001278074.1).
Identifiers: ClinVar variation 674553 (VCV000674553.2), dbSNP rs143376583, ClinGen allele CA201091960.
Genomic context (GRCh38, chr9:134,756,991, plus strand): 5'-GGCTCCGTCACTGGCATTTGACGTGAAGATAGGGTTGGTGGGTGAATTTCGCCAGCAAGC[G>A]TGACAGTTGCAGTTCATTTTCATAAGGGAGAAATTTGCTCCCTTCCAGCAGTGGCGAGCA-3'